The following is an entry in ClinVar:

NM_015896.4(ZMYND10):c.721G>A (p.Gly241Ser)

Gene: ZMYND10 (zinc finger MYND-type containing 10; minus strand). Cytogenetic location: 3p21.31.
Variant type: single nucleotide variant.
Coding change: c.721G>A on transcript NM_015896.4 (MANE Select); coding-DNA position 721, G replaced by A.
Protein change: p.Gly241Ser; replaces glycine 241 with serine.
Molecular consequence: missense variant.
Genome position (GRCh38, 1-based): chr3:50,342,549, C>T on the plus strand (G>A on the coding strand, the complement: ZMYND10 is on the minus strand). VCF-style: chr3-50342549-C-T. GRCh37 (hg19) VCF-style: chr3-50379980-C-T.
Other names: c.721G>A (NM_015896.2); c.706G>A, p.Gly236Ser (NM_001308379.2); short protein forms G236S, G241S.
Identifiers: ClinVar variation 2182585 (VCV002182585.3), dbSNP rs200577542, ClinGen allele CA2417093.
Genomic context (GRCh38, chr3:50,342,549, plus strand): 5'-GCCCGTCCAACTTGCTCAGCTTTTGCTGCTCTGAGGGGGCCACAGTATGCCAACGGCTGC[C>T]CTCGAACTGCTGCAGCTTGCCTGGGGAGAGGAACCAGCACACTGGGTGCAGACGTTGAAT-3'
Protein context (NP_056980.2, residues 231-251): REGGKLQQFE[Gly241Ser]SRWHTVAPSE

ClinVar aggregate classification (germline): Uncertain significance. Review status: criteria provided, multiple submitters, no conflicts (2 of 4 stars). 2 submissions from 2 submitters: Uncertain significance (2). Last evaluated 2023-08-22.

Conditions:
Primary ciliary dyskinesia. Also called: Ciliary dyskinesia. Identifiers: Orphanet 244, MedGen C0008780, MONDO:0016575, HP:0012265.
Inborn genetic diseases. Identifiers: MedGen C0950123, MeSH D030342.

Allele frequency attached by ClinVar (database versions not stated): TOPMed 0.00005; gnomAD exomes 0.00009; gnomAD 0.00012; ExAC 0.00027.

Submissions (2):

Ambry Genetics
Classification: Uncertain significance for Inborn genetic diseases. Last evaluated: 2023-08-22. Review status: criteria provided, single submitter. Criteria: Ambry Variant Classification Scheme 2023. Collection method: clinical testing. Allele origin: germline.

Labcorp Genetics (formerly Invitae), Labcorp
Classification: Uncertain significance for Primary ciliary dyskinesia. Last evaluated: 2022-01-07. Review status: criteria provided, single submitter. Criteria: Invitae Variant Classification Sherloc (09022015). Collection method: clinical testing. Allele origin: germline.
Comment: This sequence change replaces glycine, which is neutral and non-polar, with serine, which is neutral and polar, at codon 241 of the ZMYND10 protein (p.Gly241Ser). This variant is present in population databases (rs200577542, gnomAD 0.08%). This variant has not been reported in the literature in individuals affected with ZMYND10-related conditions. Algorithms developed to predict the effect of missense changes on protein structure and function output the following: SIFT: "Tolerated"; PolyPhen-2: "Benign"; Align-GVGD: "Class C0". The serine amino acid residue is found in multiple mammalian species, which suggests that this missense change does not adversely affect protein function. In summary, the available evidence is currently insufficient to determine the role of this variant in disease. Therefore, it has been classified as a Variant of Uncertain Significance.